The following is an entry in ClinVar:

ClinVar aggregate classification (germline): Uncertain significance (1 of 4 stars; one submission).

gnomAD v4.1: 1 of 1,613,504 alleles (0.000062%); highest among the groups gnomAD compares: Non-Finnish European, 0.000085%; no homozygotes.

Submission:

Ambry Genetics
Classification: Uncertain significance. Last evaluated: 2025-05-19. Review status: criteria provided, single submitter. Criteria: Ambry Variant Classification Scheme 2023. Collection method: clinical testing. Allele origin: germline.
Comment: The p.S449P variant (also known as c.1345T>C), located in coding exon 8 of the ATRIP gene, results from a T to C substitution at nucleotide position 1345. The serine at codon 449 is replaced by proline, an amino acid with similar properties. This amino acid position is conserved. In addition, this alteration is predicted to be tolerated by in silico analysis. Based on the available evidence, the clinical significance of this variant remains unclear.

NM_130384.3(ATRIP):c.1345T>C (p.Ser449Pro)

Genes: ATRIP (ATR interacting protein; plus strand), ATRIP-TREX1 (ATRIP-TREX1 readthrough; plus strand). Cytogenetic location: 3p21.31.
Variant type: single nucleotide variant.
Coding change: c.1345T>C on transcript NM_130384.3 (MANE Select); coding-DNA position 1345, T replaced by C.
Protein change: p.Ser449Pro; replaces serine 449 with proline.
Molecular consequence: missense variant. On other transcripts: non-coding transcript variant (1).
Genome position (GRCh38, 1-based): chr3:48,460,399, T>C. VCF-style: chr3-48460399-T-C. GRCh37 (hg19) VCF-style: chr3-48501798-T-C.
Other names: c.964T>C, p.Ser322Pro (NM_001271022.2); c.1066T>C, p.Ser356Pro (NM_001271023.2); c.1345T>C, p.Ser449Pro (NM_032166.4); short protein forms S356P, S449P, S322P.
Identifiers: ClinVar variation 3976669 (VCV003976669.1).